The following is an entry in ClinVar:

ClinVar aggregate classification (germline): Uncertain significance (1 of 4 stars; one submission).

Submission:

Labcorp Genetics (formerly Invitae), Labcorp
Classification: Uncertain significance. Last evaluated: 2026-01-17. Review status: criteria provided, single submitter. Criteria: Invitae Variant Classification Sherloc (09022015). Collection method: clinical testing. Allele origin: germline.
Comment: This sequence change replaces proline, which is neutral and non-polar, with alanine, which is neutral and non-polar, at codon 285 of the RHO protein (p.Pro285Ala). This variant is not present in population databases (gnomAD no frequency). This variant has not been reported in the literature in individuals affected with RHO-related conditions. Invitae Evidence Modeling of protein sequence and biophysical properties (such as structural, functional, and spatial information, amino acid conservation, physicochemical variation, residue mobility, and thermodynamic stability) indicates that this missense variant is not expected to disrupt RHO protein function with a negative predictive value of 95%. In summary, the available evidence is currently insufficient to determine the role of this variant in disease. Therefore, it has been classified as a Variant of Uncertain Significance.

NM_000539.3(RHO):c.853C>G (p.Pro285Ala)

Gene: RHO (rhodopsin; plus strand). Cytogenetic location: 3q22.1.
Variant type: single nucleotide variant.
Coding change: c.853C>G on transcript NM_000539.3 (MANE Select); coding-DNA position 853, C replaced by G.
Protein change: p.Pro285Ala; replaces proline 285 with alanine.
Molecular consequence: missense variant.
Genome position (GRCh38, 1-based): chr3:129,532,689, C>G. VCF-style: chr3-129532689-C-G. GRCh37 (hg19) VCF-style: chr3-129251532-C-G.
Other names: short protein forms P285A.
Identifiers: ClinVar variation 4701810 (VCV004701810.1).